The following is an entry in ClinVar:

ClinVar aggregate classification (germline): Likely benign (1 of 4 stars; one submission).

Allele frequency attached by ClinVar (database versions not stated): TOPMed 0.00002 and 0.00003; gnomAD 0.00001.

Submission:

GeneDx
Classification: Likely benign. Last evaluated: 2016-02-18. Review status: criteria provided, single submitter. Criteria: GeneDx Variant Classification (06012015). Collection method: clinical testing. Allele origin: germline. Affected: yes.
Comment: This variant is considered likely benign or benign based on one or more of the following criteria: it is a conservative change, it occurs at a poorly conserved position in the protein, it is predicted to be benign by multiple in silico algorithms, and/or has population frequency not consistent with disease.

NM_025233.7(COASY):c.-235C>G

Genes: COASY (Coenzyme A synthase; plus strand), LOC130060907 (ATAC-STARR-seq lymphoblastoid active region 12206; plus strand). Cytogenetic location: 17q21.2.
Variant type: single nucleotide variant.
Coding change: c.-235C>G on transcript NM_025233.7 (MANE Select); 235 bases upstream of the start codon, C replaced by G.
Molecular consequence: 5 prime UTR variant. On other transcripts: intron variant (1).
Genome position (GRCh38, 1-based): chr17:42,562,388, C>G. VCF-style: chr17-42562388-C-G. GRCh37 (hg19) VCF-style: chr17-40714406-C-G.
Other names: c.-24C>G (NM_001042532.4); c.-12+169C>G (NM_001042529.3).
Identifiers: ClinVar variation 383064 (VCV000383064.1), dbSNP rs747242800, ClinGen allele CA8577825.